The following is an entry in ClinVar:

NM_032193.4(RNASEH2C):c.268_269delinsGT (p.Lys90Val)

Gene: RNASEH2C (ribonuclease H2 subunit C; minus strand). Cytogenetic location: 11q13.1.
Variant type: Indel.
Coding change: c.268_269delinsGT on transcript NM_032193.4 (MANE Select); coding-DNA positions 268 to 269, AA replaced by GT.
Protein change: p.Lys90Val; replaces lysine 90 with valine.
Molecular consequence: missense variant.
Genome position (GRCh38, 1-based): chr11:65,720,321-65,720,322, TT replaced by AC on the plus strand (AA replaced by GT on the coding strand, the reverse complement: RNASEH2C is on the minus strand). VCF-style: chr11-65720321-TT-AC. GRCh37 (hg19) VCF-style: chr11-65487792-TT-AC.
Other names: c.268_269delAAinsGT (NM_032193.3); short protein forms K90V.
Identifiers: ClinVar variation 570365 (VCV000570365.8), dbSNP rs1565213438, ClinGen allele CA891842705.

ClinVar aggregate classification (germline): Uncertain significance (1 of 4 stars; one submission).

Conditions:
Aicardi-Goutieres syndrome 3. Identifiers: Orphanet 51, MedGen C1835916, MONDO:0012471, OMIM 610329.

Submission:

Labcorp Genetics (formerly Invitae), Labcorp
Classification: Uncertain significance for Aicardi-Goutieres syndrome 3. Last evaluated: 2022-09-06. Review status: criteria provided, single submitter. Criteria: Invitae Variant Classification Sherloc (09022015). Collection method: clinical testing. Allele origin: germline.
Comment: This sequence change replaces lysine, which is basic and polar, with valine, which is neutral and non-polar, at codon 90 of the RNASEH2C protein (p.Lys90Val). Information on the frequency of this variant in the gnomAD database is not available, as this variant may be reported differently in the database. This variant has not been reported in the literature in individuals affected with RNASEH2C-related conditions. ClinVar contains an entry for this variant (Variation ID: 570365). Algorithms developed to predict the effect of missense changes on protein structure and function output the following: SIFT: "Not Available"; PolyPhen-2: "Benign"; Align-GVGD: "Not Available". The valine amino acid residue is found in multiple mammalian species, which suggests that this missense change does not adversely affect protein function. Algorithms developed to predict the effect of sequence changes on RNA splicing suggest that this variant may create or strengthen a splice site. In summary, the available evidence is currently insufficient to determine the role of this variant in disease. Therefore, it has been classified as a Variant of Uncertain Significance.